The following is an entry in ClinVar:

NM_025114.4(CEP290):c.4286del (p.Leu1429fs)

Gene: CEP290 (centrosomal protein 290; minus strand). Cytogenetic location: 12q21.32.
Variant type: Deletion.
Coding change: c.4286del on transcript NM_025114.4 (MANE Select); coding-DNA position 4286, one base deleted (T; older notation c.4286delT).
Protein change: p.Leu1429fs; shifts the reading frame from leucine 1429.
Molecular consequence: frameshift variant.
Genome position (GRCh38, 1-based): chr12:88,086,407, A deleted on the plus strand (T on the coding strand, the reverse complement: CEP290 is on the minus strand). VCF-style (leftmost placement, unchanged base first): chr12-88086406-TA-T. GRCh37 (hg19) VCF-style: chr12-88480183-TA-T.
Other names: short protein forms L1429fs.
Identifiers: ClinVar variation 5014544 (VCV005014544.1).

ClinVar aggregate classification (germline): Pathogenic (1 of 4 stars; one submission).

Conditions:
CEP290-related ciliopathy. Also called: CEP290 ciliopathy. Identifiers: MedGen CN305601, MONDO:0100451.

Submission:

Myriad Genetics, Inc.
Classification: Pathogenic for CEP290-related ciliopathy. Last evaluated: 2025-05-31. Review status: criteria provided, single submitter. Criteria: Myriad Autosomal Dominant, Autosomal Recessive and X-Linked Classification Criteria (2023). Collection method: clinical testing. Allele origin: unknown.
Comment: NM_025114.3(CEP290):c.4286delT(L1429Qfs*29) is expected to be pathogenic in the context of CEP290-related disorders. This variant is predicted to lead to an abnormal or absent protein product due to the creation of a premature termination codon in CEP290, a gene where loss-of-function variants are known to be pathogenic. Please note: this variant was assessed in the context of healthy population screening.